The following is an entry in ClinVar:

NM_001466.4(FZD2):c.704TCT[1] (p.Phe236del)

Gene: FZD2 (frizzled class receptor 2; plus strand). Cytogenetic location: 17q21.31.
Variant type: Microsatellite.
Coding change: c.704TCT[1] on transcript NM_001466.4 (MANE Select); one copy of the 3-base unit TCT starting at c.704; the reference has two copies in a row; one copy, 3 bases deleted.
Protein change: p.Phe236del; deletes phenylalanine 236.
Molecular consequence: inframe deletion.
Genome position (GRCh38, 1-based): chr17:44,558,395-44,558,397, TCT deleted; deleting any 3 consecutive bases within chr17:44,558,391-44,558,397 gives the same sequence; the position shown is the placement nearest the transcript's 3' end. VCF-style (leftmost placement, unchanged base first): chr17-44558390-GTTC-G. GRCh37 (hg19) VCF-style: chr17-42635758-GTTC-G.
Other names: short protein forms F236del.
Identifiers: ClinVar variation 3605932 (VCV003605932.2).
Genomic context (GRCh38, chr17:44,558,390, plus strand): 5'-GTTTCTGGGCGAGCGTGATTGTGCTGCGCCCTGCGAACCTGCGCGGCCCGATGGTTCCAT[GTTC>G]TTCTCACAGGAGGAGACGCGTTTCGCGCGCCTCTGGATCCTCACCTGGTCGGTGCTGTGC-3'

ClinVar aggregate classification (germline): Uncertain significance (1 of 4 stars; one submission).

Submission:

Labcorp Genetics (formerly Invitae), Labcorp
Classification: Uncertain significance. Last evaluated: 2024-10-19. Review status: criteria provided, single submitter. Criteria: Invitae Variant Classification Sherloc (09022015). Collection method: clinical testing. Allele origin: germline.
Comment: This variant, c.707_709del, results in the deletion of 1 amino acid(s) of the FZD2 protein (p.Phe236del), but otherwise preserves the integrity of the reading frame. This variant is not present in population databases (gnomAD no frequency). This variant has not been reported in the literature in individuals affected with FZD2-related conditions. Experimental studies and prediction algorithms are not available or were not evaluated, and the functional significance of this variant is currently unknown. In summary, the available evidence is currently insufficient to determine the role of this variant in disease. Therefore, it has been classified as a Variant of Uncertain Significance.